The following is an entry in ClinVar:

ClinVar aggregate classification (germline): Benign. Review status: criteria provided, multiple submitters, no conflicts (2 of 4 stars). 3 submissions from 3 submitters: Benign (3). Last evaluated 2026-02-03.

Allele frequency attached by ClinVar (database versions not stated): gnomAD exomes 0.00094 and 0.00206; ExAC 0.00263; 1000 Genomes Project 0.00679; 1000 Genomes Project 30x 0.00718; gnomAD 0.00783 and 0.00851; TOPMed 0.00950; ESP Exome Variant Server 0.01018.
gnomAD v4.1: 2,599 of 1,574,118 alleles (0.17%); highest among the groups gnomAD compares: African/African-American, 2.8%; 27 homozygotes.

Submissions (4):

Labcorp Genetics (formerly Invitae), Labcorp
Classification: Benign. Last evaluated: 2026-02-03. Review status: criteria provided, single submitter. Criteria: Invitae Variant Classification Sherloc (09022015). Collection method: clinical testing. Allele origin: germline.

Mayo Clinic Laboratories, Mayo Clinic
Classification: Benign. Last evaluated: 2025-03-21. Review status: criteria provided, single submitter. Criteria: ACMG Guidelines, 2015. Collection method: clinical testing. Allele origin: germline. Observed: 3 variant alleles.
Comment: BA1, BS2, BP4

Breakthrough Genomics
Classification: Benign. Review status: criteria provided, single submitter. Criteria: ACMG Guidelines, 2015. Collection method: not provided. Allele origin: germline. Inheritance: Autosomal recessive inheritance. Affected: yes.

Dr. Peter K. Rogan Lab, Western University
No classification provided (evidence only). Condition: Uterine corpus endometrial carcinoma. Review status: no classification provided. Collection method: in vitro. Allele origin: not applicable. Functional consequence: retained intron. Not counted in ClinVar's aggregate classification.

NM_001378457.1(DMXL2):c.7454A>G (p.Asp2485Gly)

Gene: DMXL2 (Dmx like 2; minus strand). Cytogenetic location: 15q21.2.
Variant type: single nucleotide variant.
Coding change: c.7454A>G on transcript NM_001378457.1 (MANE Select); coding-DNA position 7454, A replaced by G.
Protein change: p.Asp2485Gly; replaces aspartic acid 2485 with glycine.
Molecular consequence: missense variant. On other transcripts: non-coding transcript variant (2).
Genome position (GRCh38, 1-based): chr15:51,466,250, T>C on the plus strand (A>G on the coding strand, the complement: DMXL2 is on the minus strand). VCF-style: chr15-51466250-T-C. GRCh37 (hg19) VCF-style: chr15-51758447-T-C.
Other names: p.Asp2485Gly; c.7454A>G, p.Asp2485Gly (NM_001174116.3, NM_001378459.1, NM_001378461.1 and 1 more transcripts); c.5543A>G, p.Asp1848Gly (NM_001174117.3); c.7451A>G, p.Asp2484Gly (NM_001378458.1, NM_001378462.1, NM_015263.5); c.5432A>G, p.Asp1811Gly (NM_001378460.1); c.7211A>G, p.Asp2404Gly (NM_001378464.1); c.7454A>G (NM_001174116.2); short protein forms D1848G, D2484G, D2485G, D1811G, D2404G.
Identifiers: ClinVar variation 783710 (VCV000783710.13), dbSNP rs114516513, ClinGen allele CA7561317.